The following is an entry in ClinVar:

ClinVar aggregate classification (germline): Uncertain significance (1 of 4 stars; one submission).

Conditions:
EGFR-related lung cancer (EGFR). Identifiers: MedGen CN130014.

Submission:

Labcorp Genetics (formerly Invitae), Labcorp
Classification: Uncertain significance for EGFR-related lung cancer. Last evaluated: 2026-01-07. Review status: criteria provided, single submitter. Criteria: Invitae Variant Classification Sherloc (09022015). Collection method: clinical testing. Allele origin: germline.
Comment: This sequence change replaces isoleucine, which is neutral and non-polar, with leucine, which is neutral and non-polar, at codon 445 of the EGFR protein (p.Ile445Leu). This variant is not present in population databases (gnomAD no frequency). This variant has not been reported in the literature in individuals affected with EGFR-related conditions. Invitae Evidence Modeling of protein sequence and biophysical properties (such as structural, functional, and spatial information, amino acid conservation, physicochemical variation, residue mobility, and thermodynamic stability) indicates that this missense variant is not expected to disrupt EGFR protein function with a negative predictive value of 80%. In summary, the available evidence is currently insufficient to determine the role of this variant in disease. Therefore, it has been classified as a Variant of Uncertain Significance.

NM_005228.5(EGFR):c.1333A>T (p.Ile445Leu)

Gene: EGFR (epidermal growth factor receptor; plus strand). Cytogenetic location: 7p11.2.
Variant type: single nucleotide variant.
Coding change: c.1333A>T on transcript NM_005228.5 (MANE Select); coding-DNA position 1333, A replaced by T.
Protein change: p.Ile445Leu; replaces isoleucine 445 with leucine.
Molecular consequence: missense variant.
Genome position (GRCh38, 1-based): chr7:55,160,173, A>T. VCF-style: chr7-55160173-A-T. GRCh37 (hg19) VCF-style: chr7-55227866-A-T.
Other names: c.1198A>T, p.Ile400Leu (NM_001346897.2, NM_001346899.2); c.1333A>T, p.Ile445Leu (NM_001346898.2, NM_201282.2, NM_201284.2); c.1174A>T, p.Ile392Leu (NM_001346900.2); c.532A>T, p.Ile178Leu (NM_001346941.2); short protein forms I400L, I392L, I445L, I178L.
Identifiers: ClinVar variation 4700913 (VCV004700913.1).
Genomic context (GRCh38, chr7:55,160,173, plus strand): 5'-CATGATTTTTCTTCTCTCCAATGTAGTGGTCAGTTTTCTCTTGCAGTCGTCAGCCTGAAC[A>T]TAACATCCTTGGGATTACGCTCCCTCAAGGAGATAAGTGATGGAGATGTGATAATTTCAG-3'
Protein context (NP_005219.2, residues 435-455): QFSLAVVSLN[Ile445Leu]TSLGLRSLKE